The following is an entry in ClinVar:

ClinVar aggregate classification (germline): Conflicting classifications of pathogenicity. Review status: criteria provided, conflicting classifications (1 of 4 stars). 22 submissions from 22 submitters: Uncertain significance (12); Likely benign (9). 1 of the submissions does not count toward it. Last evaluated 2026-03-17.

Conditions:
MSH6-related disorder. Also called: MSH6-Related disorders; MSH6-related condition.
Mismatch repair cancer syndrome 3. Identifiers: MedGen C5436807, MONDO:0030841, OMIM 619097.
Endometrial carcinoma. Also called: Endometrial carcinoma, somatic. Identifiers: MedGen C0476089, MONDO:0002447, OMIM 608089, HP:0012114.
Lynch syndrome 5 (LYNCH5). Also called: Colorectal cancer, hereditary nonpolyposis, type 5; Hereditary non-polyposis colorectal cancer, type 5. Identifiers: Orphanet 144, MedGen C1833477, MONDO:0013710, OMIM 614350. Disease mechanism: loss of function.
Hereditary nonpolyposis colorectal neoplasms. Identifiers: MedGen C0009405, MeSH D003123.
Inherited polyposis and early onset colorectal cancer - germline testing.
Hereditary cancer-predisposing syndrome. Also called: Tumor predisposition; Neoplastic Syndromes, Hereditary; Hereditary neoplastic syndrome; Hereditary Cancer Syndrome. Identifiers: Orphanet 140162, MedGen C0027672, MeSH D009386, MONDO:0015356.
Lynch syndrome. Identifiers: Orphanet 144, MedGen C4552100, MONDO:0005835. Disease mechanism: loss of function.

Allele frequency attached by ClinVar (database versions not stated): ExAC 0.00003; gnomAD exomes 0.00004 and 0.00006; gnomAD 0.00008; TOPMed 0.00008; 1000 Genomes Project 0.00040; 1000 Genomes Project 30x 0.00062.
gnomAD v4.1: 73 of 1,614,172 alleles (0.0045%); highest among the groups gnomAD compares: Middle Eastern, 0.05%; no homozygotes.

Submissions 1 to 15 of 22:

Women's Health and Genetics/Laboratory Corporation of America, LabCorp
Classification: Likely benign. Last evaluated: 2026-03-17. Review status: criteria provided, single submitter. Criteria: LabCorp Variant Classification Summary - May 2015. Collection method: clinical testing. Allele origin: germline.
Comment: Variant summary: MSH6 c.2281A>G (p.Arg761Gly) results in a non-conservative amino acid change located in the core domain (IPR007696) of the encoded protein sequence. Algorithms developed to predict the effect of missense changes on protein structure and function all suggest that this variant is likely to be disruptive. The variant allele was found at a frequency of 6e-05 in 251138 control chromosomes, predominantly at a frequency of 0.00038 within the Latino subpopulation in the gnomAD database. The observed variant frequency within Latino control individuals in the gnomAD database exceeds the estimated maximal expected allele frequency for disease-causing variants in MSH6. c.2281A>G has been observed in individual(s) affected with with polyps and/or tumors belonging to Lynch syndrome tumor spectrum (e.g. Rey_2017, Ricker_2017, Martin-Morales_2018), in individuals affected with other tumor phenotypes (e.g. Yehia_2018, Dorling_2021, Castillo-Guardioloa_2022, Sahin_2022, Rodriguez-Hernandez_2025), as well as in unaffected controls (Dorling_2021). These report(s) do not provide unequivocal conclusions about association of the variant with Hereditary Nonpolyposis Colorectal Cancer. To our knowledge, no experimental evidence demonstrating an impact on protein function has been reported. The following publications have been ascertained in the context of this evaluation (PMID: 35245693, 33471991, 30256826, 28502729, 28640387, 40209283, 35089076, 23621914, 29684080). ClinVar contains an entry for this variant (Variation ID: 140836). Based on the evidence outlined above, the variant was classified as likely benign.

Labcorp Genetics (formerly Invitae), Labcorp
Classification: Likely benign for Hereditary nonpolyposis colorectal neoplasms. Last evaluated: 2026-02-03. Review status: criteria provided, single submitter. Criteria: Invitae Variant Classification Sherloc (09022015). Collection method: clinical testing. Allele origin: germline.

Color Diagnostics, LLC DBA Color Health
Classification: Likely benign for Hereditary cancer-predisposing syndrome. Last evaluated: 2025-11-19. Review status: criteria provided, single submitter. Criteria: ACMG Guidelines, 2015. Collection method: clinical testing. Allele origin: germline.

Mayo Clinic Laboratories, Mayo Clinic
Classification: Likely benign. Last evaluated: 2025-11-09. Review status: criteria provided, single submitter. Criteria: ACMG Guidelines, 2015. Collection method: clinical testing. Allele origin: germline. Observed: 1 variant allele.
Comment: BS1, BP4

PreventionGenetics, part of Exact Sciences
Classification: Likely benign for MSH6-related condition. Last evaluated: 2025-10-01. Review status: criteria provided, single submitter. Criteria: ACMG Guidelines, 2015. Collection method: clinical testing. Allele origin: germline.
Comment: This variant is classified as likely benign based on ACMG/AMP sequence variant interpretation guidelines (Richards et al. 2015 PMID: 25741868, with internal and published modifications).

Center for Genomic Medicine, Rigshospitalet, Copenhagen University Hospital
Classification: Uncertain significance. Last evaluated: 2025-03-04. Review status: criteria provided, single submitter. Criteria: ACMG Guidelines, 2015. Collection method: clinical testing. Allele origin: germline.

Hereditary Cancer Laboratory, Hospital Universitario 12 de Octubre
Classification: Uncertain significance for Hereditary cancer-predisposing syndrome. Last evaluated: 2025-02-19. Review status: criteria provided, single submitter. Criteria: ACMG Guidelines, 2015. Collection method: clinical testing. Allele origin: germline.
Comment: PM2

GeneDx
Classification: Uncertain significance. Last evaluated: 2025-01-07. Review status: criteria provided, single submitter. Criteria: GeneDx Variant Classification Process June 2021. Collection method: clinical testing. Allele origin: germline. Affected: yes.
Comment: In silico analysis supports that this missense variant has a deleterious effect on protein structure/function; Observed in individuals with colorectal, breast, and other cancers (PMID: 28502729, 28640387, 30256826, 29684080, 35245693); This variant is associated with the following publications: (PMID: 23621914, 28502729, 28640387, 30256826, 29684080, 26635394, Alshathly2021[article], 35245693, 33471991, 35089076, 17531815, 21120944, 35451682)

Myriad Genetics, Inc.
Classification: Likely benign for Lynch syndrome 5. Last evaluated: 2024-12-30. Review status: criteria provided, single submitter. Criteria: Myriad Autosomal Dominant, Autosomal Recessive and X-Linked Classification Criteria (2023). Collection method: clinical testing. Allele origin: unknown.
Comment: This variant is considered likely benign. This variant is strongly associated with less severe personal and family histories of cancer, typical for individuals without pathogenic variants in this gene [PMID: 27363726].

All of Us Research Program, National Institutes of Health
Classification: Uncertain significance for Lynch syndrome. Last evaluated: 2024-09-11. Review status: criteria provided, single submitter. Criteria: ACMG Guidelines, 2015. Collection method: clinical testing. Allele origin: germline. Inheritance: Autosomal dominant inheritance. Observed: 20 variant alleles, 20 heterozygotes.
Comment: This missense variant replaces arginine with glycine at codon 761 of the MSH6 protein. Computational prediction is inconclusive regarding the impact of this variant on protein structure and function (internally defined REVEL score threshold 0.5 < inconclusive < 0.7, PMID: 27666373). To our knowledge, functional studies have not been performed for this variant. This variant has been reported in individuals with personal and/or family history of Lynch syndrome-associated cancer and/or polyps (PMID: 28502729, 30256826), colorectal cancer who also had a pathogenic MUTYH variant (PMID: 28640387), skin melanoma (PMID: 29684080), breast cancer (PMID: 35245693), or lymphoblastic leukemia (DOI: 10.5603/oJ.2021.0046). In a large breast cancer case-control study, this variant was reported in 7/60466 cases and 7/53461 unaffected controls (PMID: 33471991). This variant has been identified in 15/251138 chromosomes in the general population by the Genome Aggregation Database (gnomAD). The available evidence is insufficient to determine the role of this variant in disease conclusively. Therefore, this variant is classified as a Variant of Uncertain Significance.

This study involves interpretation of variants in research participants for the purpose of population health screening. Participant phenotype was not available at the time of variant classification. Additional details can be found in publication PMID: 35346344, PMCID: PMC8962531

Blueprint Genetics
Classification: Uncertain significance. Last evaluated: 2024-08-06. Review status: criteria provided, single submitter. Criteria: ACMG Guidelines, 2015. Collection method: clinical testing. Allele origin: germline.

Genomics and Molecular Medicine Service, East Genomic Laboratory Hub, NHS Genomic Medicine Service
Classification: Uncertain significance for Inherited polyposis and early onset colorectal cancer - germline testing. Last evaluated: 2024-06-10. Review status: criteria provided, single submitter. Criteria: ACGS Best Practice Guidelines for Variant Classification in Rare Disease 2020. Collection method: clinical testing. Allele origin: germline. Affected: yes.
Comment: BS1_Strong

Quest Diagnostics Nichols Institute San Juan Capistrano
Classification: Likely benign. Last evaluated: 2024-05-17. Review status: criteria provided, single submitter. Criteria: Quest Diagnostics criteria. Collection method: clinical testing. Allele origin: unknown.

Baylor Genetics
Classification: Uncertain significance for Endometrial carcinoma. Last evaluated: 2024-02-28. Review status: criteria provided, single submitter. Criteria: ACMG Guidelines, 2015. Collection method: clinical testing. Allele origin: unknown.

Department of Pathology and Laboratory Medicine, Sinai Health System
Classification: Likely benign for Endometrial carcinoma; Lynch syndrome 5; Mismatch repair cancer syndrome 3. Last evaluated: 2023-09-05. Review status: criteria provided, single submitter. Criteria: ACMG Guidelines, 2015. Collection method: clinical testing. Allele origin: germline. Affected: no.

NM_000179.3(MSH6):c.2281A>G (p.Arg761Gly)

Gene: MSH6 (mutS homolog 6; plus strand). Cytogenetic location: 2p16.3.
Variant type: single nucleotide variant.
Coding change: c.2281A>G on transcript NM_000179.3 (MANE Select); coding-DNA position 2281, A replaced by G.
Protein change: p.Arg761Gly; replaces arginine 761 with glycine.
Molecular consequence: missense variant.
Genome position (GRCh38, 1-based): chr2:47,800,264, A>G. VCF-style: chr2-47800264-A-G. GRCh37 (hg19) VCF-style: chr2-48027403-A-G.
Other names: c.1891A>G, p.Arg631Gly (NM_001281492.2); c.1375A>G, p.Arg459Gly (NM_001281493.2, NM_001281494.2); short protein forms R761G, R459G, R631G.
Identifiers: ClinVar variation 140836 (VCV000140836.56), dbSNP rs199876321, ClinGen allele CA009950.
Genomic context (GRCh38, chr2:47,800,264, plus strand): 5'-AACAACTTGGAGATTTTTCTGAATGGAACAAATGGTTCTACTGAAGGAACCCTACTAGAG[A>G]GGGTTGATACTTGCCATACTCCTTTTGGTAAGCGGCTCCTAAAGCAATGGCTTTGTGCCC-3'
Protein context (NP_000170.1, residues 751-771): NGSTEGTLLE[Arg761Gly]VDTCHTPFGK